The following is an entry in ClinVar:

NM_001170629.2(CHD8):c.6531T>A (p.Pro2177=)

Gene: CHD8 (chromodomain helicase DNA binding protein 8; minus strand). Cytogenetic location: 14q11.2.
Variant type: single nucleotide variant.
Coding change: c.6531T>A on transcript NM_001170629.2 (MANE Select); coding-DNA position 6531, T replaced by A.
Protein change: p.Pro2177=; no amino-acid change (proline 2177 retained).
Molecular consequence: synonymous variant.
Genome position (GRCh38, 1-based): chr14:21,392,747, A>T on the plus strand (T>A on the coding strand, the complement: CHD8 is on the minus strand). VCF-style: chr14-21392747-A-T. GRCh37 (hg19) VCF-style: chr14-21860906-A-T.
Other names: c.5694T>A, p.Pro1898= (NM_020920.4).
Identifiers: ClinVar variation 2176885 (VCV002176885.5), dbSNP rs747458076, ClinGen allele CA7090761.
Genomic context (GRCh38, chr14:21,392,747, plus strand): 5'-CAAGTGGTTGCCTGGCCCCAAAATTCCTCCTGTTACCATTTCCTGGCTCCTACGGCTAGA[A>T]GGCCACTTCCCTGAGAGTACAGCCTGGCAGACGAGGTCAATACGGTTTATCAGGACACGA-3'
Protein context (NP_001164100.1, residues 2167-2187): VCQAVLSGKW[Pro2177=]SSRRSQEMVT

ClinVar aggregate classification (germline): Likely benign. Review status: criteria provided, multiple submitters, no conflicts (2 of 4 stars). 2 submissions from 2 submitters: Likely benign (2). Last evaluated 2026-08-01.

Allele frequency attached by ClinVar (database versions not stated): gnomAD 0.00001; TOPMed 0.00001; gnomAD exomes 0.00003; ExAC 0.00004.
gnomAD v4.1: 21 of 1,613,872 alleles (0.0013%); highest among the groups gnomAD compares: Admixed American, 0.033%; no homozygotes.

Submissions (2):

CeGaT Center for Human Genetics Tuebingen
Classification: Likely benign. Last evaluated: 2026-08-01. Review status: criteria provided, single submitter. Criteria: CeGaT Center For Human Genetics Tuebingen Variant Classification Criteria Version 2. Collection method: clinical testing. Allele origin: germline. Affected: yes. Observed: 1 variant allele.
Comment: CHD8: BP4

Labcorp Genetics (formerly Invitae), Labcorp
Classification: Likely benign. Last evaluated: 2025-10-23. Review status: criteria provided, single submitter. Criteria: Invitae Variant Classification Sherloc (09022015). Collection method: clinical testing. Allele origin: germline.